The following is an entry in ClinVar:

NM_000070.3(CAPN3):c.703G>A (p.Val235Met)

Gene: CAPN3 (calpain 3; plus strand). Cytogenetic location: 15q15.1.
Variant type: single nucleotide variant.
Coding change: c.703G>A on transcript NM_000070.3 (MANE Select); coding-DNA position 703, G replaced by A.
Protein change: p.Val235Met; replaces valine 235 with methionine.
Molecular consequence: missense variant.
Genome position (GRCh38, 1-based): chr15:42,388,998, G>A. VCF-style: chr15-42388998-G-A. GRCh37 (hg19) VCF-style: chr15-42681196-G-A.
Other names: c.703G>A, p.Val235Met (NM_024344.2, NM_173087.2); short protein forms V235M.
Identifiers: ClinVar variation 1018726 (VCV001018726.9), dbSNP rs1302248441, ClinGen allele CA391998192.

ClinVar aggregate classification (germline): Uncertain significance (1 of 4 stars; one submission).

Conditions:
Autosomal recessive limb-girdle muscular dystrophy type 2A (LGMDR1). Also called: Limb-girdle muscular dystrophy, type 2A; Calpainopathy; LEYDEN-MOEBIUS MUSCULAR DYSTROPHY; MUSCULAR DYSTROPHY, PELVOFEMORAL; Muscular dystrophy, limb-girdle, type 2A, Amish. Identifiers: Orphanet 267, MedGen C1869123, MONDO:0009675, OMIM 253600. Disease mechanism: loss of function.

Submission:

Labcorp Genetics (formerly Invitae), Labcorp
Classification: Uncertain significance for Autosomal recessive limb-girdle muscular dystrophy type 2A. Last evaluated: 2023-08-03. Review status: criteria provided, single submitter. Criteria: Invitae Variant Classification Sherloc (09022015). Collection method: clinical testing. Allele origin: germline.
Comment: This sequence change replaces valine, which is neutral and non-polar, with methionine, which is neutral and non-polar, at codon 235 of the CAPN3 protein (p.Val235Met). This variant is not present in population databases (gnomAD no frequency). This variant has not been reported in the literature in individuals affected with CAPN3-related conditions. ClinVar contains an entry for this variant (Variation ID: 1018726). Advanced modeling of protein sequence and biophysical properties (such as structural, functional, and spatial information, amino acid conservation, physicochemical variation, residue mobility, and thermodynamic stability) performed at Invitae indicates that this missense variant is not expected to disrupt CAPN3 protein function. In summary, the available evidence is currently insufficient to determine the role of this variant in disease. Therefore, it has been classified as a Variant of Uncertain Significance.